The following is an entry in ClinVar:

NM_012193.4(FZD4):c.941T>C (p.Met314Thr)

Genes: FZD4 (frizzled class receptor 4; minus strand), PRSS23 (serine protease 23; plus strand). Cytogenetic location: 11q14.2.
Variant type: single nucleotide variant.
Coding change: c.941T>C on transcript NM_012193.4 (MANE Select); coding-DNA position 941, T replaced by C.
Protein change: p.Met314Thr; replaces methionine 314 with threonine.
Molecular consequence: missense variant. On other transcripts: non-coding transcript variant (2).
Genome position (GRCh38, 1-based): chr11:86,951,815, A>G on the plus strand (T>C on the coding strand, the complement: FZD4 is on the minus strand). VCF-style: chr11-86951815-A-G. GRCh37 (hg19) VCF-style: chr11-86662857-A-G.
Other names: short protein forms M314T.
Identifiers: ClinVar variation 2767813 (VCV002767813.3), dbSNP rs1949294874, ClinGen allele CA382013796.

ClinVar aggregate classification (germline): Uncertain significance (1 of 4 stars; one submission).

Allele frequency attached by ClinVar (database versions not stated): gnomAD exomes 0.00001.
gnomAD v4.1: 4 of 1,614,064 alleles (0.00025%); highest among the groups gnomAD compares: Middle Eastern, 0.049%; no homozygotes.

Submission:

Labcorp Genetics (formerly Invitae), Labcorp
Classification: Uncertain significance. Last evaluated: 2022-11-14. Review status: criteria provided, single submitter. Criteria: Invitae Variant Classification Sherloc (09022015). Collection method: clinical testing. Allele origin: germline.
Comment: This sequence change replaces methionine, which is neutral and non-polar, with threonine, which is neutral and polar, at codon 314 of the FZD4 protein (p.Met314Thr). In summary, the available evidence is currently insufficient to determine the role of this variant in disease. Therefore, it has been classified as a Variant of Uncertain Significance. Advanced modeling of protein sequence and biophysical properties (such as structural, functional, and spatial information, amino acid conservation, physicochemical variation, residue mobility, and thermodynamic stability) performed at Invitae indicates that this missense variant is not expected to disrupt FZD4 protein function. This variant has not been reported in the literature in individuals affected with FZD4-related conditions. This variant is not present in population databases (gnomAD no frequency).